The following is an entry in ClinVar:

ClinVar aggregate classification (germline): Pathogenic/Likely pathogenic. Review status: criteria provided, multiple submitters, no conflicts (2 of 4 stars). 5 submissions from 5 submitters: Pathogenic (4); Likely pathogenic (1). Last evaluated 2025-11-09.

Conditions:
Hereditary cancer-predisposing syndrome. Also called: Tumor predisposition; Hereditary neoplastic syndrome; Hereditary Cancer Syndrome; Neoplastic Syndromes, Hereditary. Identifiers: Orphanet 140162, MedGen C0027672, MeSH D009386, MONDO:0015356.
Cardiovascular phenotype. Identifiers: MedGen CN230736.
LZTR1-related disorder. Also called: LZTR1-related disorders; LZTR1-related condition.
Noonan syndrome 2 (NS2). Identifiers: Orphanet 648, MedGen C1854469, MONDO:0011531, OMIM 605275.

Allele frequency attached by ClinVar (database versions not stated): ExAC 0.00002.

Submissions (5):

Labcorp Genetics (formerly Invitae), Labcorp
Classification: Pathogenic. Last evaluated: 2025-11-09. Review status: criteria provided, single submitter. Criteria: Invitae Variant Classification Sherloc (09022015). Collection method: clinical testing. Allele origin: germline.
Comment: This sequence change creates a premature translational stop signal (p.Tyr535*) in the LZTR1 gene. It is expected to result in an absent or disrupted protein product. Loss-of-function variants in LZTR1 are known to be pathogenic (PMID: 24362817, 25335493, 25480913, 25795793, 29469822, 30368668, 30442762, 30442766, 30481304, 30859559). This variant is present in population databases (rs753347937, gnomAD 0.003%). This variant has not been reported in the literature in individuals affected with LZTR1-related conditions. ClinVar contains an entry for this variant (Variation ID: 1162325). For these reasons, this variant has been classified as Pathogenic.

Blueprint Genetics
Classification: Pathogenic for LZTR1-related disorders. Last evaluated: 2023-11-29. Review status: criteria provided, single submitter. Criteria: ACMG Guidelines, 2015. Collection method: clinical testing. Allele origin: germline. Affected: yes. Observed: 2 variant alleles.

Ambry Genetics
Classification: Pathogenic for Cardiovascular phenotype; Hereditary cancer-predisposing syndrome. Last evaluated: 2022-10-12. Review status: criteria provided, single submitter. Criteria: Ambry Variant Classification Scheme 2023. Collection method: clinical testing. Allele origin: germline.
Comment: The p.Y535* pathogenic mutation (also known as c.1605C>A), located in coding exon 14 of the LZTR1 gene, results from a C to A substitution at nucleotide position 1605. This changes the amino acid from a tyrosine to a stop codon within coding exon 14. Loss-of-function variants in LZTR1 are related to an increased risk for schwannomas and autosomal recessive Noonan syndrome; however, such associations with autosomal dominant Noonan syndrome have not been observed (Piotrowski A et al. Nat Genet. 2014 Feb;46:182-7; Yamamoto GL et al. J Med Genet. 2015 Jun;52:413-21; Johnston JJ et al. Genet Med. 2018 10;20:1175-1185). Based on the supporting evidence, this variant is pathogenic for an increased risk of LZTR1-related schwannomatosis (SWN) and would be expected to cause autosomal recessive Noonan syndrome when present along with a second pathogenic or likely pathogenic variant on the other allele; however, the association of this alteration with autosomal dominant Noonan syndrome is unlikely.

CeGaT Center for Human Genetics Tuebingen
Classification: Likely pathogenic. Last evaluated: 2022-09-01. Review status: criteria provided, single submitter. Criteria: CeGaT Center For Human Genetics Tuebingen Variant Classification Criteria Version 2. Collection method: clinical testing. Allele origin: germline. Affected: yes. Observed: 1 variant allele.
Comment: LZTR1: PVS1

Department of Pediatrics, The University of Tokyo
Classification: Pathogenic for Noonan syndrome 2. Last evaluated: 2021-05-27. Review status: criteria provided, single submitter. Criteria: ACMG Guidelines, 2015. Collection method: clinical testing. Allele origin: inherited. Affected: yes. Observed: 1 compound heterozygote. Segregation with disease observed.

Literature cited by the submitters: PubMed 24362817 (cited by Labcorp Genetics (formerly Invitae), Labcorp); PubMed 25335493 (cited by Labcorp Genetics (formerly Invitae), Labcorp); PubMed 25480913 (cited by Labcorp Genetics (formerly Invitae), Labcorp); PubMed 25795793 (cited by Labcorp Genetics (formerly Invitae), Labcorp); PubMed 29469822 (cited by Labcorp Genetics (formerly Invitae), Labcorp); PubMed 30368668 (cited by Labcorp Genetics (formerly Invitae), Labcorp); PubMed 30442762 (cited by Labcorp Genetics (formerly Invitae), Labcorp); PubMed 30442766 (cited by Labcorp Genetics (formerly Invitae), Labcorp); PubMed 30481304 (cited by Labcorp Genetics (formerly Invitae), Labcorp); PubMed 30859559 (cited by Labcorp Genetics (formerly Invitae), Labcorp).

NM_006767.4(LZTR1):c.1605C>A (p.Tyr535Ter)

Gene: LZTR1 (leucine zipper like post translational regulator 1; plus strand). Cytogenetic location: 22q11.21.
Variant type: single nucleotide variant.
Coding change: c.1605C>A on transcript NM_006767.4 (MANE Select); coding-DNA position 1605, C replaced by A.
Protein change: p.Tyr535Ter; replaces tyrosine 535 with a stop codon.
Molecular consequence: nonsense.
Genome position (GRCh38, 1-based): chr22:20,994,259, C>A. VCF-style: chr22-20994259-C-A. GRCh37 (hg19) VCF-style: chr22-21348548-C-A.
Other names: c.1605C>A (NM_006767.3); short protein forms Y535*.
Identifiers: ClinVar variation 1162325 (VCV001162325.30), dbSNP rs753347937, ClinGen allele CA10118952.